The following is an entry in ClinVar:

NM_001009944.3(PKD1):c.8843C>T (p.Ser2948Leu)

Gene: PKD1 (polycystin 1, transient receptor potential channel interacting; minus strand). Cytogenetic location: 16p13.3.
Variant type: single nucleotide variant.
Coding change: c.8843C>T on transcript NM_001009944.3 (MANE Select); coding-DNA position 8843, C replaced by T.
Protein change: p.Ser2948Leu; replaces serine 2948 with leucine.
Molecular consequence: missense variant.
Genome position (GRCh38, 1-based): chr16:2,102,919, G>A on the plus strand (C>T on the coding strand, the complement: PKD1 is on the minus strand). VCF-style: chr16-2102919-G-A. GRCh37 (hg19) VCF-style: chr16-2152920-G-A.
Other names: c.8843C>T, p.Ser2948Leu (NM_000296.4); short protein forms S2948L.
Identifiers: ClinVar variation 3254607 (VCV003254607.3), dbSNP rs146250848.

ClinVar aggregate classification (germline): Conflicting classifications of pathogenicity. Review status: criteria provided, conflicting classifications (1 of 4 stars). 3 submissions from 3 submitters: Uncertain significance (2); Likely benign (1). Last evaluated 2023-07-16.

Conditions:
Polycystic kidney disease, adult type (PKD1). Also called: POLYCYSTIC KIDNEY DISEASE, ADULT, TYPE I; Polycystic Kidney Disease 1, Autosomal Dominant; Polycystic kidney disease 1; Polycystic kidney disease 1, severe; POLYCYSTIC KIDNEY DISEASE 1 WITH OR WITHOUT POLYCYSTIC LIVER DISEASE; Polycystic Kidney, Autosomal Dominant. Identifiers: MedGen C3149841, MONDO:0008263, OMIM 173900.

Allele frequency attached by ClinVar (database versions not stated): gnomAD 0.00003; 1000 Genomes Project 30x 0.00016; 1000 Genomes Project 0.00020.
gnomAD v4.1: 128 of 1,609,368 alleles (0.008%); highest among the groups gnomAD compares: South Asian, 0.059%; no homozygotes.

Submissions (3):

Victorian Clinical Genetics Services, Murdoch Childrens Research Institute
Classification: Uncertain significance for Polycystic kidney disease, adult type. Last evaluated: 2023-07-16. Review status: criteria provided, single submitter. Criteria: ACMG Guidelines, 2015. Collection method: clinical testing. Allele origin: germline. Inheritance: Autosomal dominant inheritance. Affected: yes.
Comment: Based on the classification scheme VCGS_Germline_v1.3.4, this variant is classified as VUS-3C. Following criteria are met: 0102 - Loss of function is a known mechanism of disease in this gene and is associated with polycystic kidney disease 1 (MIM#173900). (I) 0107 - This gene is associated with autosomal dominant disease. Polycystic kidney disease 1 (MIM#173900) is predominantly caused by monoallelic variants, with rare reports of biallelic variants causing disease (OMIM). (I) 0200 - Variant is predicted to result in a missense amino acid change from serine to leucine. (I) 0251 - This variant is heterozygous. (I) 0310 - Variant is present in gnomAD (v2) >=0.001 and <0.01 for a dominant condition (36 heterozygotes, 0 homozygotes). (I) 0309 - Two alternative amino acid change at the same position has been observed in gnomAD (v2) (1 heterozygote, 0 homozygotes each). (I) 0502 - Missense variant with conflicting in silico predictions and uninformative conservation. (I) 0604 - Variant is not located in an established domain, motif, hotspot or informative constraint region. (I) 0705 - No comparable missense variants have previous evidence for pathogenicity. (I) 0806 - This variant has moderate previous evidence of being benign in unrelated individuals. This variant has been reported as likely benign once in LOVD. (SB) 0905 - No published segregation evidence has been identified for this variant. (I) 1007 - No published functional evidence has been identified for this variant. (I) 1208 - Inheritance information for this variant is not currently available in this individual. (I) Legend: (SP) - Supporting pathogenic, (I) - Information, (SB) - Supporting benign

Blueprint Genetics
Classification: Likely benign. Last evaluated: 2022-08-20. Review status: criteria provided, single submitter. Criteria: ACMG Guidelines, 2015. Collection method: clinical testing. Allele origin: germline.

Department of Pathology and Laboratory Medicine, Sinai Health System
Classification: Uncertain significance for Polycystic kidney disease, adult type. Last evaluated: 2020-03-11. Review status: criteria provided, single submitter. Criteria: ACMG Guidelines, 2015. Collection method: clinical testing. Allele origin: germline. Affected: yes.